The following is an entry in ClinVar:

NM_000053.4(ATP7B):c.3694A>C (p.Thr1232Pro)

Gene: ATP7B (ATPase copper transporting beta; minus strand). Cytogenetic location: 13q14.3.
Variant type: single nucleotide variant.
Coding change: c.3694A>C on transcript NM_000053.4 (MANE Select); coding-DNA position 3694, A replaced by C.
Protein change: p.Thr1232Pro; replaces threonine 1232 with proline.
Molecular consequence: missense variant.
Genome position (GRCh38, 1-based): chr13:51,939,056, T>G on the plus strand (A>C on the coding strand, the complement: ATP7B is on the minus strand). VCF-style: chr13-51939056-T-G. GRCh37 (hg19) VCF-style: chr13-52513192-T-G.
Other names: c.3073A>C, p.Thr1025Pro (NM_001005918.3); c.3361A>C, p.Thr1121Pro (NM_001243182.2); c.3460A>C, p.Thr1154Pro (NM_001330578.2); c.3442A>C, p.Thr1148Pro (NM_001330579.2); short protein forms T1232P, T1148P, T1025P, T1121P, T1154P.
Identifiers: ClinVar variation 555144 (VCV000555144.28), dbSNP rs568009639, ClinGen allele CA6988608.

ClinVar aggregate classification (germline): Pathogenic/Likely pathogenic. Review status: criteria provided, multiple submitters, no conflicts (2 of 4 stars). 13 submissions from 13 submitters: Pathogenic (9); Likely pathogenic (3). 1 of the submissions does not count toward it. Last evaluated 2026-02-09.

Conditions:
ATP7B-related disorder. Also called: ATP7B-related condition.
Wilson disease (WND). Also called: Wilson's disease. Identifiers: Orphanet 905, MedGen C0019202, MONDO:0010200, OMIM 277900. Disease mechanism: loss of function.

Allele frequency attached by ClinVar (database versions not stated): gnomAD exomes 0.00001 and below 0.00001; TOPMed 0.00001; gnomAD 0.00002 and 0.00003; ExAC 0.00001; 1000 Genomes Project 30x 0.00016; 1000 Genomes Project 0.00020.

Submissions (13):

Women's Health and Genetics/Laboratory Corporation of America, LabCorp
Classification: Pathogenic for Wilson disease. Last evaluated: 2026-02-09. Review status: criteria provided, single submitter. Criteria: LabCorp Variant Classification Summary - May 2015. Collection method: clinical testing. Allele origin: germline.
Comment: Variant summary: ATP7B c.3694A>C (p.Thr1232Pro) results in a non-conservative amino acid change in the encoded protein sequence. Algorithms developed to predict the effect of missense changes on protein structure and function all suggest that this variant is likely to be disruptive. The variant allele was found at a frequency of 4e-06 in 249572 control chromosomes. c.3694A>C has been observed in multiple individuals affected with Wilson Disease (e.g. Deguti_2004, Velez-Pardo_2004, Margarit_2005). These data indicate that the variant is very likely to be associated with disease. To our knowledge, no experimental evidence demonstrating an impact on protein function has been reported. The following publications have been ascertained in the context of this evaluation (PMID: 15024742, 15337266, 15952988). ClinVar contains an entry for this variant (Variation ID: 555144). Based on the evidence outlined above, the variant was classified as pathogenic.

Labcorp Genetics (formerly Invitae), Labcorp
Classification: Pathogenic for Wilson disease. Last evaluated: 2025-12-03. Review status: criteria provided, single submitter. Criteria: Invitae Variant Classification Sherloc (09022015). Collection method: clinical testing. Allele origin: germline.
Comment: This sequence change replaces threonine, which is neutral and polar, with proline, which is neutral and non-polar, at codon 1232 of the ATP7B protein (p.Thr1232Pro). This variant is present in population databases (rs568009639, gnomAD 0.003%). This missense change has been observed in individual(s) with Wilson disease (PMID: 15024742, 15337266, 15952988). It has also been observed to segregate with disease in related individuals. ClinVar contains an entry for this variant (Variation ID: 555144). Invitae Evidence Modeling of protein sequence and biophysical properties (such as structural, functional, and spatial information, amino acid conservation, physicochemical variation, residue mobility, and thermodynamic stability) indicates that this missense variant is not expected to disrupt ATP7B protein function with a negative predictive value of 80%. For these reasons, this variant has been classified as Pathogenic.

Natera, Inc.
Classification: Pathogenic for Wilson disease. Last evaluated: 2025-10-10. Review status: criteria provided, single submitter. Criteria: Natera Variant Classification Schema (03/2026). Collection method: clinical testing. Allele origin: germline.
Comment: The c.3694A>C variant in ATP7B is a missense variant predicted to cause substitution of threonine to proline at amino acid 1232. This variant is rare in the general population with a frequency below the threshold expected for the associated phenotype(s). This variant has been observed in one or more individuals affected with the associated recessive disease, as either homozygous or compound heterozygous with a second variant (PMID: 15952988, 33159804, 15024742). Computational prediction algorithms indicate this variant is likely to affect gene or protein function. Given the available evidence, this variant is classified as Pathogenic.

3billion
Classification: Pathogenic for Wilson disease. Last evaluated: 2025-08-07. Review status: criteria provided, single submitter. Criteria: ACMG Guidelines, 2015. Collection method: clinical testing. Allele origin: germline. Affected: yes.
Comment: The variant is observed at an extremely low frequency in the gnomAD v4.1.0 dataset (total allele frequency: 0.001%). Predicted Consequence/Location: Missense variant In silico tool predictions suggest damaging effect of the variant on gene or gene product [REVEL: 0.88 (>=0.6, sensitivity 0.68 and specificity 0.92); 3Cnet: 0.93 (> 0.75, sensitivity 0.96 and precision 0.92)]. The same nucleotide change resulting in the same amino acid change has been previously reported as pathogenic/likely pathogenic with strong evidence (ClinVar ID: VCV000555144 /PMID: 15024742). The variant has been observed in multiple (>3) similarly affected unrelated individuals (PMID: 15337266). The variant has been reported to be in trans with a pathogenic variant as either compound heterozygous or homozygous in at least one similarly affected unrelated individual (PMID: 15024742, 15952988). Therefore, this variant is classified as Pathogenic according to the recommendation of ACMG/AMP guideline.

All of Us Research Program, National Institutes of Health
Classification: Pathogenic for Wilson disease. Last evaluated: 2024-05-30. Review status: criteria provided, single submitter. Criteria: ACMG Guidelines, 2015. Collection method: clinical testing. Allele origin: germline. Inheritance: Autosomal recessive inheritance. Observed: 3 variant alleles, 3 heterozygotes.
Comment: This missense variant replaces threonine with proline at codon 1232 of the ATP7B protein. Computational prediction suggests that this variant may have deleterious impact on protein structure and function. This variant alters a conserved threonine residue in the phosphorylation domain of the ATP7B protein (a.a. 1004 - 1031; a.a. 1197 - 1306), a highly conserved region that is considered to be important for ATP7B protein function (PMID: 35245129; ClinVar). To our knowledge, functional studies have not been reported for this variant. This variant has been reported in dozens of individuals affected with Wilson disease, with several individuals confirmed to be carrying this variant in homozygosity or in compound heterozygosity with a known pathogenic variant, indicating that this variant contributes to disease (PMID: 15024742, 15337266, 15952988, 23518715, 27992490, 33159804, 34400371, 34620762, 36096368, 36096368, 37323222, 38588792; DOI: 10.4172/lpma.1000228, 10.46531/sinapse/AO/210033/2021). This variant has been identified in 1/249572 chromosomes in the general population by the Genome Aggregation Database (gnomAD). Based on the available evidence, this variant is classified as Pathogenic.

This study involves interpretation of variants in research participants for the purpose of population health screening. Participant phenotype was not available at the time of variant classification. Additional details can be found in publication PMID: 35346344, PMCID: PMC8962531

Fulgent Genetics
Classification: Pathogenic for Wilson disease. Last evaluated: 2024-05-10. Review status: criteria provided, single submitter. Criteria: ACMG Guidelines, 2015. Collection method: clinical testing. Allele origin: germline.

Color Diagnostics, LLC DBA Color Health
Classification: Pathogenic for Wilson disease. Last evaluated: 2024-05-02. Review status: criteria provided, single submitter. Criteria: ACMG Guidelines, 2015. Collection method: clinical testing. Allele origin: germline.
Comment: This missense variant replaces threonine with proline at codon 1232 of the ATP7B protein. Computational prediction suggests that this variant may have deleterious impact on protein structure and function. This variant alters a conserved threonine residue in the phosphorylation domain of the ATP7B protein (a.a. 1004 - 1031a.a. 1197 - 1306), a highly conserved region that is considered to be important for ATP7B protein function (PMID: 35245129ClinVar). To our knowledge, functional studies have not been reported for this variant. This variant has been reported in dozens of individuals affected with Wilson disease, with several individuals confirmed to be carrying this variant in homozygosity or in compound heterozygosity with a known pathogenic variant, indicating that this variant contributes to disease (PMID: 15024742, 15337266, 15952988, 23518715, 27992490, 33159804, 34400371, 34620762, 36096368, 36096368, 37323222, 38588792DOI: 10.4172/lpma.1000228, 10.46531/sinapse/AO/210033/2021). This variant has been identified in 1/249572 chromosomes in the general population by the Genome Aggregation Database (gnomAD). Based on the available evidence, this variant is classified as Pathogenic.

Baylor Genetics
Classification: Likely pathogenic for Wilson disease. Last evaluated: 2024-03-08. Review status: criteria provided, single submitter. Criteria: ACMG Guidelines, 2015. Collection method: clinical testing. Allele origin: unknown.

Genome-Nilou Lab
Classification: Likely pathogenic for Wilson disease. Last evaluated: 2021-08-10. Review status: criteria provided, single submitter. Criteria: ACMG Guidelines, 2015. Collection method: clinical testing. Allele origin: germline. Affected: no.

ARUP Laboratories, Molecular Genetics and Genomics, ARUP Laboratories
Classification: Likely pathogenic for Wilson disease. Last evaluated: 2020-02-26. Review status: criteria provided, single submitter. Criteria: ARUP Molecular Germline Variant Investigation Process. Collection method: clinical testing. Allele origin: germline.
Comment: The ATP7B c.3694A>C; p.Thr1232Pro variant (rs568009639) is reported in the literature in the homozygous or compound heterozygous state in multiple individuals affected with Wilson disease, and segregates with disease in at least one family (Coffey 2013, Deguti 2004, Margarit 2005, Velez-Pardo 2004). This variant is reported in ClinVar (Variation ID: 555144), and is only observed on one allele in the Genome Aggregation Database, indicating it is not a common polymorphism. The threonine at codon 1232 is moderately conserved, and computational analyses (SIFT: tolerated, PolyPhen-2: possibly damaging) predict conflicting effects of this variant on protein structure/function. Based on available information, this variant is considered to be likely pathogenic. References: Coffey AJ et al. A genetic study of Wilson's disease in the United Kingdom. Brain. 2013 May;136(Pt 5):1476-87. Deguti MM et al. Wilson disease: novel mutations in the ATP7B gene and clinical correlation in Brazilian patients. Hum Mutat. 2004 Apr;23(4):398. Margarit E et al. Mutation analysis of Wilson disease in the Spanish population -- identification of a prevalent substitution and eight novel mutations in the ATP7B gene. Clin Genet. 2005 Jul;68(1):61-8. Velez-Pardo C et al. New mutation (T1232P) of the ATP-7B gene associated with neurologic and neuropsychiatric dominance onset of Wilson's disease in three unrelated Colombian kindred. Neurosci Lett. 2004 Sep 9;367(3):360-4.

Blueprint Genetics
Classification: Pathogenic for ATP7B-related disorders. Last evaluated: 2020-01-09. Review status: criteria provided, single submitter. Criteria: ACMG Guidelines, 2015. Collection method: clinical testing. Allele origin: germline. Affected: yes. Observed: 2 variant alleles.

Clinical Genetics Service, Universitary Hospital 12 de Octubre
Classification: Pathogenic for Wilson disease. Review status: criteria provided, single submitter. Criteria: ACMG Guidelines, 2015. Collection method: clinical testing. Allele origin: maternal. Affected: yes.

Counsyl
Classification: Likely pathogenic for Wilson disease. Last evaluated: 2017-11-17. Review status: no assertion criteria provided. Collection method: clinical testing. Allele origin: unknown. Not counted in ClinVar's aggregate classification.

Literature cited by the submitters: PubMed 15952988 (cited by 7 submitters); PubMed 15024742 (cited by 7 submitters); PubMed 15337266 (cited by 6 submitters); PubMed 33159804 (cited by 3 submitters); PubMed 23518715 (cited by 3 submitters); PubMed 27992490 (cited by 3 submitters); PubMed 34400371 (cited by All of Us Research Program, National Institutes of Health and Color Diagnostics, LLC DBA Color Health); PubMed 34620762 (cited by All of Us Research Program, National Institutes of Health and Color Diagnostics, LLC DBA Color Health); PubMed 35245129 (cited by All of Us Research Program, National Institutes of Health and Color Diagnostics, LLC DBA Color Health); PubMed 36096368 (cited by All of Us Research Program, National Institutes of Health and Color Diagnostics, LLC DBA Color Health); PubMed 37323222 (cited by All of Us Research Program, National Institutes of Health and Color Diagnostics, LLC DBA Color Health); PubMed 38588792 (cited by All of Us Research Program, National Institutes of Health and Color Diagnostics, LLC DBA Color Health); PubMed 24253677 (cited by Counsyl); PubMed 22692182 (cited by Counsyl).